The following is an entry in ClinVar:

NM_017433.5(MYO3A):c.2867G>A (p.Ser956Asn)

Gene: MYO3A (myosin IIIA; plus strand). Cytogenetic location: 10p12.1.
Variant type: single nucleotide variant.
Coding change: c.2867G>A on transcript NM_017433.5 (MANE Select); coding-DNA position 2867, G replaced by A.
Protein change: p.Ser956Asn; replaces serine 956 with asparagine.
Molecular consequence: missense variant.
Genome position (GRCh38, 1-based): chr10:26,157,383, G>A. VCF-style: chr10-26157383-G-A. GRCh37 (hg19) VCF-style: chr10-26446312-G-A.
Other names: short protein forms S956N.
Identifiers: ClinVar variation 45804 (VCV000045804.28), dbSNP rs3758449, ClinGen allele CA137071.

ClinVar aggregate classification (germline): Benign. Review status: criteria provided, multiple submitters, no conflicts (2 of 4 stars). 12 submissions from 12 submitters: Benign (10). 2 of the submissions do not count toward it. Last evaluated 2026-02-03.

Conditions:
Autosomal recessive nonsyndromic hearing loss 30. Identifiers: Orphanet 90636, MedGen C1846784, MONDO:0011774, OMIM 607101.

Allele frequency attached by ClinVar (database versions not stated): 1000 Genomes Project 0.45527; 1000 Genomes Project 30x 0.45550; TOPMed 0.49898; gnomAD exomes 0.50170 and 0.53542; ExAC 0.50639; gnomAD 0.51439 and 0.51636; ESP Exome Variant Server 0.52107.
gnomAD v4.1: 860,094 of 1,613,650 alleles (53%); highest among the groups gnomAD compares: Middle Eastern, 56%; 231,940 homozygotes.

Submissions (12):

Labcorp Genetics (formerly Invitae), Labcorp
Classification: Benign. Last evaluated: 2026-02-03. Review status: criteria provided, single submitter. Criteria: Invitae Variant Classification Sherloc (09022015). Collection method: clinical testing. Allele origin: germline.

Blueprint Genetics
Classification: Benign. Last evaluated: 2024-11-27. Review status: criteria provided, single submitter. Criteria: ACMG Guidelines, 2015. Collection method: clinical testing. Allele origin: germline.

Genome-Nilou Lab
Classification: Benign for Autosomal recessive nonsyndromic hearing loss 30. Last evaluated: 2021-09-05. Review status: criteria provided, single submitter. Criteria: ACMG Guidelines, 2015. Collection method: clinical testing. Allele origin: germline. Affected: no.

Mayo Clinic Laboratories, Mayo Clinic
Classification: Benign. Last evaluated: 2020-08-26. Review status: criteria provided, single submitter. Criteria: ACMG Guidelines, 2015. Collection method: clinical testing. Allele origin: germline. Observed: 127 variant alleles.

Mendelics
Classification: Benign for Autosomal recessive nonsyndromic hearing loss 30. Last evaluated: 2019-05-28. Review status: criteria provided, single submitter. Criteria: Mendelics Assertion Criteria 2017. Collection method: clinical testing. Allele origin: unknown.

Illumina Laboratory Services, Illumina
Classification: Benign for Autosomal recessive nonsyndromic hearing loss 30. Last evaluated: 2018-01-12. Review status: criteria provided, single submitter. Criteria: ICSL Variant Classification Criteria 13 December 2019. Collection method: clinical testing. Allele origin: germline.
Comment: This variant was observed in the ICSL laboratory as part of a predisposition screen in an ostensibly healthy population. It had not been previously curated by ICSL or reported in the Human Gene Mutation Database (HGMD: prior to June 1st, 2018), and was therefore a candidate for classification through an automated scoring system. Utilizing variant allele frequency, disease prevalence and penetrance estimates, and inheritance mode, an automated score was calculated to assess if this variant is too frequent to cause the disease. Based on the score and internal cut-off values, a variant classified as benign is not then subjected to further curation. The score for this variant resulted in a classification of benign for this disease.

GeneDx
Classification: Benign. Last evaluated: 2017-05-09. Review status: criteria provided, single submitter. Criteria: GeneDx Variant Classification (06012015). Collection method: clinical testing. Allele origin: germline. Affected: yes.
Comment: This variant is considered likely benign or benign based on one or more of the following criteria: it is a conservative change, it occurs at a poorly conserved position in the protein, it is predicted to be benign by multiple in silico algorithms, and/or has population frequency not consistent with disease.

Laboratory for Molecular Medicine, Mass General Brigham Personalized Medicine
Classification: Benign. Last evaluated: 2012-05-07. Review status: criteria provided, single submitter. Criteria: LMM Criteria. Collection method: clinical testing. Allele origin: germline. Observed: 1,256 variant alleles.
Comment: Ser956Asn in Exon 26 of MYO3A: This variant is not expected to have clinical sig nificance because it has been identified in 46.5% (1739/3738) of African America n chromosomes from a broad population by the NHLBI Exome Sequencing Project (dbSNP rs3758449).

Breakthrough Genomics
Classification: Benign. Review status: criteria provided, single submitter. Criteria: ACMG Guidelines, 2015. Collection method: not provided. Allele origin: germline. Inheritance: Autosomal recessive inheritance. Affected: yes.

PreventionGenetics, part of Exact Sciences
Classification: Benign. Review status: criteria provided, single submitter. Criteria: ACMG Guidelines, 2015. Collection method: clinical testing. Allele origin: germline.

Diagnostic Laboratory, Department of Genetics, University Medical Center Groningen
Classification: Benign. Review status: no assertion criteria provided. Collection method: clinical testing. Allele origin: germline. Affected: yes. Study: VKGL Data-share Consensus. Not counted in ClinVar's aggregate classification.

Joint Genome Diagnostic Labs from Nijmegen and Maastricht, Radboudumc and MUMC+
Classification: Benign. Review status: no assertion criteria provided. Collection method: clinical testing. Allele origin: germline. Affected: yes. Study: VKGL Data-share Consensus. Not counted in ClinVar's aggregate classification.